The following is an entry in ClinVar:

ClinVar aggregate classification (germline): Uncertain significance. Review status: criteria provided, multiple submitters, no conflicts (2 of 4 stars). 2 submissions from 2 submitters: Uncertain significance (2). Last evaluated 2025-11-11.

Conditions:
Inborn genetic diseases. Identifiers: MedGen C0950123, MeSH D030342.
KBG syndrome (KBGS). Also called: ANKRD11-Related KBG Syndrome. Identifiers: Orphanet 2332, MedGen C0220687, MONDO:0007846, OMIM 148050.

Allele frequency attached by ClinVar (database versions not stated): gnomAD exomes below 0.00001; gnomAD 0.00001; TOPMed 0.00001.
gnomAD v4.1: 2 of 1,614,084 alleles (0.00012%); highest among the groups gnomAD compares: Admixed American, 0.0033%; no homozygotes.

Submissions (2):

Ambry Genetics
Classification: Uncertain significance for Inborn genetic diseases. Last evaluated: 2025-11-11. Review status: criteria provided, single submitter. Criteria: Ambry Variant Classification Scheme 2023. Collection method: clinical testing. Allele origin: germline.

Labcorp Genetics (formerly Invitae), Labcorp
Classification: Uncertain significance for KBG syndrome. Last evaluated: 2023-10-27. Review status: criteria provided, single submitter. Criteria: Invitae Variant Classification Sherloc (09022015). Collection method: clinical testing. Allele origin: germline.
Comment: This sequence change replaces aspartic acid, which is acidic and polar, with glutamic acid, which is acidic and polar, at codon 1295 of the ANKRD11 protein (p.Asp1295Glu). This variant is present in population databases (no rsID available, gnomAD 0.006%). This variant has not been reported in the literature in individuals affected with ANKRD11-related conditions. Advanced modeling of protein sequence and biophysical properties (such as structural, functional, and spatial information, amino acid conservation, physicochemical variation, residue mobility, and thermodynamic stability) performed at Invitae indicates that this missense variant is not expected to disrupt ANKRD11 protein function with a negative predictive value of 95%. In summary, the available evidence is currently insufficient to determine the role of this variant in disease. Therefore, it has been classified as a Variant of Uncertain Significance.

NM_013275.6(ANKRD11):c.3885C>A (p.Asp1295Glu)

Gene: ANKRD11 (ankyrin repeat domain 11; minus strand). Cytogenetic location: 16q24.3.
Variant type: single nucleotide variant.
Coding change: c.3885C>A on transcript NM_013275.6 (MANE Select); coding-DNA position 3885, C replaced by A.
Protein change: p.Asp1295Glu; replaces aspartic acid 1295 with glutamic acid.
Molecular consequence: missense variant.
Genome position (GRCh38, 1-based): chr16:89,282,657, G>T on the plus strand (C>A on the coding strand, the complement: ANKRD11 is on the minus strand). VCF-style: chr16-89282657-G-T. GRCh37 (hg19) VCF-style: chr16-89349065-G-T.
Other names: c.3885C>A, p.Asp1295Glu (NM_001256182.2, NM_001256183.2); c.3885C>A (NM_013275.4); short protein forms D1295E.
Identifiers: ClinVar variation 2737475 (VCV002737475.4), dbSNP rs147981590, ClinGen allele CA397158780.
Genomic context (GRCh38, chr16:89,282,657, plus strand): 5'-CGGCTCCTGCCCTCGGTCCGTGAAGCTGTCAGAGGAGACCTCGCTGATTTTATCGTTGGA[G>T]TCTTCTCTGTACTCATGGAGAGCCTCTTCTTCCAACTTTTCAAGCAGGCTTTTTTCCGCG-3'
Protein context (NP_037407.4, residues 1285-1305): EEEALHEYRE[Asp1295Glu]SNDKISEVSS